The following is an entry in ClinVar:

NM_152564.5(VPS13B):c.6371C>G (p.Pro2124Arg)

Gene: VPS13B (vacuolar protein sorting 13 homolog B; plus strand). Cytogenetic location: 8q22.2.
Variant type: single nucleotide variant.
Coding change: c.6371C>G on transcript NM_152564.5 (MANE Select); coding-DNA position 6371, C replaced by G.
Protein change: p.Pro2124Arg; replaces proline 2124 with arginine.
Molecular consequence: missense variant.
Genome position (GRCh38, 1-based): chr8:99,699,849, C>G. VCF-style: chr8-99699849-C-G. GRCh37 (hg19) VCF-style: chr8-100712077-C-G.
Other names: c.6446C>G, p.Pro2149Arg (NM_017890.5); short protein forms P2124R, P2149R.
Identifiers: ClinVar variation 1516827 (VCV001516827.8), dbSNP rs762559001, ClinGen allele CA371875022.

ClinVar aggregate classification (germline): Uncertain significance (1 of 4 stars; one submission).

Conditions:
Cohen syndrome (COH1). Also called: PEPPER SYNDROME; Cutis verticis gyrata, retinitis pigmentosa, and sensorineural deafness. Identifiers: Orphanet 193, MedGen C0265223, MONDO:0008999, OMIM 216550.

Submission:

Labcorp Genetics (formerly Invitae), Labcorp
Classification: Uncertain significance for Cohen syndrome. Last evaluated: 2021-07-25. Review status: criteria provided, single submitter. Criteria: Invitae Variant Classification Sherloc (09022015). Collection method: clinical testing. Allele origin: germline.
Comment: In summary, the available evidence is currently insufficient to determine the role of this variant in disease. Therefore, it has been classified as a Variant of Uncertain Significance. Algorithms developed to predict the effect of missense changes on protein structure and function are either unavailable or do not agree on the potential impact of this missense change (SIFT: "Not Available"; PolyPhen-2: "Probably Damaging"; Align-GVGD: "Not Available"). This variant has not been reported in the literature in individuals affected with VPS13B-related conditions. This variant is not present in population databases (ExAC no frequency). This sequence change replaces proline with arginine at codon 2149 of the VPS13B protein (p.Pro2149Arg). The proline residue is moderately conserved and there is a moderate physicochemical difference between proline and arginine.